The following is an entry in ClinVar:

ClinVar aggregate classification (germline): Pathogenic. Review status: criteria provided, multiple submitters, no conflicts (2 of 4 stars). 2 submissions from 2 submitters: Pathogenic (2). Last evaluated 2026-07-01.

Conditions:
Cardiovascular phenotype. Identifiers: MedGen CN230736.

Submissions (2):

CeGaT Center for Human Genetics Tuebingen
Classification: Pathogenic. Last evaluated: 2026-07-01. Review status: criteria provided, single submitter. Criteria: CeGaT Center For Human Genetics Tuebingen Variant Classification Criteria Version 2. Collection method: clinical testing. Allele origin: germline. Affected: yes. Observed: 1 variant allele.
Comment: ENG: PVS1, PM2

Ambry Genetics
Classification: Pathogenic for Cardiovascular phenotype. Last evaluated: 2021-07-07. Review status: criteria provided, single submitter. Criteria: Ambry Variant Classification Scheme 2023. Collection method: clinical testing. Allele origin: germline.
Comment: The c.457dupA pathogenic mutation, located in coding exon 4 of the ENG gene, results from a duplication of A at nucleotide position 457, causing a translational frameshift with a predicted alternate stop codon (p.R153Kfs*9). This alteration is expected to result in loss of function by premature protein truncation or nonsense-mediated mRNA decay. As such, this alteration is interpreted as a disease-causing mutation.

NM_001114753.3(ENG):c.457dup (p.Arg153fs)

Gene: ENG (endoglin; minus strand). Cytogenetic location: 9q34.11.
Variant type: Duplication.
Coding change: c.457dup on transcript NM_001114753.3 (MANE Select); coding-DNA position 457, one base duplicated (A; older notation c.457dupA).
Protein change: p.Arg153fs; shifts the reading frame from arginine 153.
Molecular consequence: frameshift variant. On other transcripts: 5 prime UTR variant (1).
Genome position (GRCh38, 1-based): chr9:127,826,576, T duplicated on the plus strand (A on the coding strand, the reverse complement: ENG is on the minus strand). VCF-style (leftmost placement, unchanged base first): chr9-127826575-C-CT. GRCh37 (hg19) VCF-style: chr9-130588854-C-CT.
Other names: c.457dup, p.Arg153Lysfs (NM_000118.4, NM_001406715.1); c.-90dup (NM_001278138.2); short protein forms R153fs.
Identifiers: ClinVar variation 1741628 (VCV001741628.3), dbSNP rs2539077822, ClinGen allele CA913185026.
Genomic context (GRCh38, chr9:127,826,575, plus strand): 5'-CCCAGTCGGAGGAGGATGCTCTGGGGGTCATTCAGCTCAGCAGCAGAGGTGATGGGGCCC[C>CT]TCTCAGCTGCCCACTCAAGGATCTGGGTCTTGGGGAAGGATGGCAGCTCTGTGGTGTTGA-3'